The following is an entry in ClinVar:

GRCh37/hg19 16p13.11(chr16:14925995-16309165)x3

Genes: ABCC1 (ATP binding cassette subfamily C member 1 (ABCC1 blood group); plus strand), ABCC6 (ATP binding cassette subfamily C member 6; minus strand), BMERB1 (bMERB domain containing 1; plus strand), CEP20 (centrosomal protein 20; minus strand), MARF1 (meiosis regulator and mRNA stability factor 1; minus strand) and 9 more. Cytogenetic location: 16p13.11.
Variant type: copy number gain.
Change: copy number 3 (three copies instead of two) of chr16:14,925,995-16,309,165 (1.38 Mb, GRCh37 coordinates, 1-based), cytogenetic band 16p13.11.
Identifiers: ClinVar variation 1808394 (VCV001808394.1).

ClinVar aggregate classification (germline): Likely pathogenic (1 of 4 stars; one submission).

Submission:

Quest Diagnostics Nichols Institute San Juan Capistrano
Classification: Likely pathogenic. Last evaluated: 2022-01-31. Review status: criteria provided, single submitter. Criteria: ACMG/ClinGen CNV Guidelines, 2019. Collection method: clinical testing. Allele origin: unknown.
Comment: This copy number gain involves multiple genes and is a recurrent genomic imbalance. It confers susceptibility to a range of neurodevelopmental disorders including autism spectrum disorder, developmental delay, intellectual disability, and speech delay. Additionally, increased risk for cardiovascular disease has been noted (Allach El Khattabi et al., J Med Genet. 2018 Oct 4. Pii:jmedgenet-2018-105389. PMID: 30287593). The clinical significance of this recurrent duplication has been debated, because similar duplications are repeatedly observed in uncharacterized controls and in unaffected relatives (Ullmann R et al., Hum Mutat. 2007Jul;28(7):674-82.PMID: 17480035; Hannes FD et al., J Med Genet. 2009Apr;46(4):223-32. PMID: 18550696). However, the duplication is enriched in patients versus controls in multiple case-control studies (Coe et al., Nat Genet. 2014 Oct;46(10):1063-71., PMID: 25217958; Girirajan et al., N Engl J Med. 2012 Oct 4;367(14):1321-31., PMID:22970919), with some exceptions (Kaminsky et al., Genet Med. 2011Sep;13(9):777-84., PMID: 21844811). Thus, the clinical significanceof this copy number variant (CNV) is likely pathogenic (El Khattabiet al., J Med Genet .? 2020 May;57(5):301-307. PMID: 30287593 ). Please note: because of variable phenotypic expressivity, incomplete penetrance, and occurrence in control populations, it is best interpreted as a susceptibility locus.